The following is an entry in ClinVar:

ClinVar aggregate classification (germline): Likely benign (0 of 4 stars; one submission).

Conditions:
NRP2-related disorder. Also called: NRP2-related condition.

gnomAD v4.1: 6 of 1,613,878 alleles (0.00037%); highest among the groups gnomAD compares: Non-Finnish European, 0.00042%; no homozygotes.

Submission:

PreventionGenetics, part of Exact Sciences
Classification: Likely benign for NRP2-related condition. Last evaluated: 2024-01-03. Review status: no assertion criteria provided. Collection method: clinical testing. Allele origin: germline.
Comment: This variant is classified as likely benign based on ACMG/AMP sequence variant interpretation guidelines (Richards et al. 2015 PMID: 25741868, with internal and published modifications).

NM_003872.3(NRP2):c.81G>T (p.Pro27=)

Gene: NRP2 (neuropilin 2; plus strand). Cytogenetic location: 2q33.3.
Variant type: single nucleotide variant.
Coding change: c.81G>T on transcript NM_003872.3 (MANE Select); coding-DNA position 81, G replaced by T.
Protein change: p.Pro27=; no amino-acid change (proline 27 retained).
Molecular consequence: synonymous variant.
Genome position (GRCh38, 1-based): chr2:205,697,551, G>T. VCF-style: chr2-205697551-G-T. GRCh37 (hg19) VCF-style: chr2-206562275-G-T.
Other names: c.81G>T, p.Pro27= (NM_018534.4, NM_201264.2, NM_201266.2 and 2 more transcripts).
Identifiers: ClinVar variation 3353567 (VCV003353567.1).